The following is an entry in ClinVar:

NM_205836.3(FBXO38):c.2146A>G (p.Ser716Gly)

Gene: FBXO38 (F-box protein 38; plus strand). Cytogenetic location: 5q32.
Variant type: single nucleotide variant.
Coding change: c.2146A>G on transcript NM_205836.3 (MANE Select); coding-DNA position 2146, A replaced by G.
Protein change: p.Ser716Gly; replaces serine 716 with glycine.
Molecular consequence: missense variant. On other transcripts: intron variant (1).
Genome position (GRCh38, 1-based): chr5:148,427,440, A>G. VCF-style: chr5-148427440-A-G. GRCh37 (hg19) VCF-style: chr5-147807003-A-G.
Other names: c.2146A>G, p.Ser716Gly (NM_030793.5); c.1918+1739A>G (NM_001271723.2); short protein forms S716G.
Identifiers: ClinVar variation 473952 (VCV000473952.57), dbSNP rs150893158, ClinGen allele CA3497452.

ClinVar aggregate classification (germline): Conflicting classifications of pathogenicity. Review status: criteria provided, conflicting classifications (1 of 4 stars). 5 submissions from 5 submitters: Uncertain significance (1); Likely benign (3). 1 of the submissions does not count toward it. Last evaluated 2026-01-12.

Conditions:
Distal hereditary motor neuropathy type 2. Identifiers: Orphanet 139525, MedGen C3711384, MeSH C580044, MONDO:0015352.
FBXO38-related disorder. Also called: FBXO38-related condition.

Allele frequency attached by ClinVar (database versions not stated): gnomAD 0.00048 and 0.00050; gnomAD exomes 0.00055 and 0.00072; TOPMed 0.00063; ExAC 0.00073; ESP Exome Variant Server 0.00092.
gnomAD v4.1: 912 of 1,614,202 alleles (0.056%); highest among the groups gnomAD compares: Middle Eastern, 0.48%; 4 homozygotes.

Submissions (5):

Labcorp Genetics (formerly Invitae), Labcorp
Classification: Likely benign for Distal hereditary motor neuropathy type 2. Last evaluated: 2026-01-12. Review status: criteria provided, single submitter. Criteria: Invitae Variant Classification Sherloc (09022015). Collection method: clinical testing. Allele origin: germline.

GeneDx
Classification: Likely benign. Last evaluated: 2021-04-30. Review status: criteria provided, single submitter. Criteria: GeneDx Variant Classification Process June 2021. Collection method: clinical testing. Allele origin: germline. Affected: yes.

Ambry Genetics
Classification: Likely benign. Last evaluated: 2019-08-29. Review status: criteria provided, single submitter. Criteria: Ambry Variant Classification Scheme 2023. Collection method: clinical testing. Allele origin: germline.

CeGaT Center for Human Genetics Tuebingen
Classification: Uncertain significance. Last evaluated: 2017-06-01. Review status: criteria provided, single submitter. Criteria: CeGaT Center For Human Genetics Tuebingen Variant Classification Criteria Version 2. Collection method: clinical testing. Allele origin: germline. Affected: yes. Observed: 1 variant allele.

PreventionGenetics, part of Exact Sciences
Classification: Benign for FBXO38-related condition. Last evaluated: 2019-09-04. Review status: no assertion criteria provided. Collection method: clinical testing. Allele origin: germline. Not counted in ClinVar's aggregate classification.
Comment: This variant is classified as benign based on ACMG/AMP sequence variant interpretation guidelines (Richards et al. 2015 PMID: 25741868, with internal and published modifications).